The following is an entry in ClinVar:

NM_004329.3(BMPR1A):c.1022G>T (p.Gly341Val)

Gene: BMPR1A (bone morphogenetic protein receptor type 1A; plus strand). Cytogenetic location: 10q23.2.
Variant type: single nucleotide variant.
Coding change: c.1022G>T on transcript NM_004329.3 (MANE Select); coding-DNA position 1022, G replaced by T.
Protein change: p.Gly341Val; replaces glycine 341 with valine.
Molecular consequence: missense variant.
Genome position (GRCh38, 1-based): chr10:86,919,325, G>T. VCF-style: chr10-86919325-G-T. GRCh37 (hg19) VCF-style: chr10-88679082-G-T.
Other names: short protein forms G341V.
Identifiers: ClinVar variation 853343 (VCV000853343.11), dbSNP rs1564724250, ClinGen allele CA377460609.

ClinVar aggregate classification (germline): Uncertain significance (1 of 4 stars; one submission).

Conditions:
Juvenile polyposis syndrome (JPS). Identifiers: Orphanet 2929, MedGen C0345893, MONDO:0017380, OMIM 174900.

Submission:

Labcorp Genetics (formerly Invitae), Labcorp
Classification: Uncertain significance for Juvenile polyposis syndrome. Last evaluated: 2019-12-27. Review status: criteria provided, single submitter. Criteria: Invitae Variant Classification Sherloc (09022015). Collection method: clinical testing. Allele origin: germline.
Comment: This variant has not been reported in the literature in individuals with BMPR1A-related conditions. In summary, the available evidence is currently insufficient to determine the role of this variant in disease. Therefore, it has been classified as a Variant of Uncertain Significance. Algorithms developed to predict the effect of missense changes on protein structure and function (SIFT, PolyPhen-2, Align-GVGD) all suggest that this variant is likely to be disruptive, but these predictions have not been confirmed by published functional studies and their clinical significance is uncertain. This variant is not present in population databases (ExAC no frequency). This sequence change replaces glycine with valine at codon 341 of the BMPR1A protein (p.Gly341Val). The glycine residue is highly conserved and there is a moderate physicochemical difference between glycine and valine.